The following is an entry in ClinVar:

ClinVar aggregate classification (germline): Uncertain significance. Review status: criteria provided, multiple submitters, no conflicts (2 of 4 stars). 2 submissions from 2 submitters: Uncertain significance (2). Last evaluated 2024-06-17.

Conditions:
CHARGE syndrome (CHARGE). Also called: Hittner Hirsch Kreh syndrome; CHARGE ASSOCIATION--COLOBOMA, HEART ANOMALY, CHOANAL ATRESIA, RETARDATION, GENITAL AND EAR ANOMALIES; Coloboma, heart anomaly, choanal atresia, retardation, genital and ear anomalies; CHARGE association; Hall-Hittner syndrome. Identifiers: Orphanet 138, MedGen C0265354, MONDO:0008965.
Hypogonadotropic hypogonadism 5 with or without anosmia (KAL5). Also called: CHD7-Related GnRH Deficiency (Kallmann Syndrome 5); HYPOGONADOTROPIC HYPOGONADISM 5 WITH ANOSMIA; HYPOGONADOTROPHIC HYPOGONADISM 5 WITHOUT ANOSMIA. Identifiers: Orphanet 478, MedGen C3552553, MONDO:0012880, OMIM 612370. Disease mechanism: loss of function.

Submissions (2):

Fulgent Genetics
Classification: Uncertain significance for CHD7-related CHARGE syndrome; Hypogonadotropic hypogonadism 5 with or without anosmia. Last evaluated: 2024-06-17. Review status: criteria provided, single submitter. Criteria: ACMG Guidelines, 2015. Collection method: clinical testing. Allele origin: germline.

GeneDx
Classification: Uncertain significance. Last evaluated: 2024-02-25. Review status: criteria provided, single submitter. Criteria: GeneDx Variant Classification Process June 2021. Collection method: clinical testing. Allele origin: germline. Affected: yes.
Comment: Not observed at significant frequency in large population cohorts (gnomAD); In silico analysis supports that this missense variant does not alter protein structure/function; Has not been previously published as pathogenic or benign to our knowledge

NM_017780.4(CHD7):c.7309G>A (p.Gly2437Arg)

Gene: CHD7 (chromodomain helicase DNA binding protein 7; plus strand). Cytogenetic location: 8q12.2.
Variant type: single nucleotide variant.
Coding change: c.7309G>A on transcript NM_017780.4 (MANE Select); coding-DNA position 7309, G replaced by A.
Protein change: p.Gly2437Arg; replaces glycine 2437 with arginine.
Molecular consequence: missense variant. On other transcripts: intron variant (1).
Genome position (GRCh38, 1-based): chr8:60,856,589, G>A. VCF-style: chr8-60856589-G-A. GRCh37 (hg19) VCF-style: chr8-61769148-G-A.
Other names: c.1717-5640G>A (NM_001316690.1); short protein forms G2437R.
Identifiers: ClinVar variation 3369629 (VCV003369629.2).
Genomic context (GRCh38, chr8:60,856,589, plus strand): 5'-AGGCGAAATCTCATGGAGATGGTTGCCCAGCTTCGAGAGTCTCAGGTGGTCTCAGAAAAT[G>A]GACAAGAAAAAGTTGTAGATTTATCAAAGGCCTCAAGAGAGGCAACAAGCTCTACCTCAA-3'
Protein context (NP_060250.2, residues 2427-2447): LRESQVVSEN[Gly2437Arg]QEKVVDLSKA